The following is an entry in ClinVar:

ClinVar aggregate classification (germline): Uncertain significance (1 of 4 stars; one submission).

Submission:

Labcorp Genetics (formerly Invitae), Labcorp
Classification: Uncertain significance. Last evaluated: 2023-03-13. Review status: criteria provided, single submitter. Criteria: Invitae Variant Classification Sherloc (09022015). Collection method: clinical testing. Allele origin: germline.
Comment: In summary, the available evidence is currently insufficient to determine the role of this variant in disease. Therefore, it has been classified as a Variant of Uncertain Significance. An algorithm developed to predict the effect of missense changes on protein structure and function (PolyPhen-2) suggests that this variant is likely to be tolerated. This variant has not been reported in the literature in individuals affected with RPL23-related conditions. This variant is not present in population databases (gnomAD no frequency). This sequence change replaces tyrosine, which is neutral and polar, with asparagine, which is neutral and polar, at codon 97 of the RPL23 protein (p.Tyr97Asn).

NM_000978.4(RPL23):c.289T>A (p.Tyr97Asn)

Gene: RPL23 (ribosomal protein L23; minus strand). Cytogenetic location: 17q12.
Variant type: single nucleotide variant.
Coding change: c.289T>A on transcript NM_000978.4 (MANE Select); coding-DNA position 289, T replaced by A.
Protein change: p.Tyr97Asn; replaces tyrosine 97 with asparagine.
Molecular consequence: missense variant.
Genome position (GRCh38, 1-based): chr17:38,850,413, A>T on the plus strand (T>A on the coding strand, the complement: RPL23 is on the minus strand). VCF-style: chr17-38850413-A-T. GRCh37 (hg19) VCF-style: chr17-37006666-A-T.
Other names: short protein forms Y97N.
Identifiers: ClinVar variation 2845454 (VCV002845454.3), dbSNP rs2509016703, ClinGen allele CA398784813.
Genomic context (GRCh38, chr17:38,850,413, plus strand): 5'-ATTTCCTACCTTTCATCTCGCCTTTATTGTTCACTATGACTCCTGCATTATCTTCAAAAT[A>T]AAGAAACACGCCATCTTTTCTACGGTATGACTTTCGTTGTCGAATGACCACTGCTGGATG-3'
Protein context (NP_000969.1, residues 87-107): SYRRKDGVFL[Tyr97Asn]FEDNAGVIVN